The following is an entry in ClinVar:

ClinVar aggregate classification (germline): Pathogenic (1 of 4 stars; one submission).

Conditions:
CHARGE syndrome (CHARGE). Also called: Coloboma, heart anomaly, choanal atresia, retardation, genital and ear anomalies; CHARGE association; Hall-Hittner syndrome; Hittner Hirsch Kreh syndrome; CHARGE ASSOCIATION--COLOBOMA, HEART ANOMALY, CHOANAL ATRESIA, RETARDATION, GENITAL AND EAR ANOMALIES. Identifiers: Orphanet 138, MedGen C0265354, MONDO:0008965.

Submission:

Labcorp Genetics (formerly Invitae), Labcorp
Classification: Pathogenic for CHARGE syndrome. Last evaluated: 2021-03-14. Review status: criteria provided, single submitter. Criteria: Invitae Variant Classification Sherloc (09022015). Collection method: clinical testing. Allele origin: germline.
Comment: This sequence change creates a premature translational stop signal (p.Arg1557Lysfs*16) in the CHD7 gene. It is expected to result in an absent or disrupted protein product. Loss-of-function variants in CHD7 are known to be pathogenic (PMID: 22461308, 25077900). This variant is not present in population databases (ExAC no frequency). This variant has been observed in individual(s) with clinical features of CHARGE syndrome (PMID: 23024289). For these reasons, this variant has been classified as Pathogenic.

Literature cited by the submitters: PubMed 22461308; PubMed 25077900; PubMed 23024289.

NM_017780.4(CHD7):c.4667dup (p.Arg1557fs)

Gene: CHD7 (chromodomain helicase DNA binding protein 7; plus strand). Cytogenetic location: 8q12.2.
Variant type: Duplication.
Coding change: c.4667dup on transcript NM_017780.4 (MANE Select); coding-DNA position 4667, one base duplicated (C; older notation c.4667dupC).
Protein change: p.Arg1557fs; shifts the reading frame from arginine 1557.
Molecular consequence: frameshift variant. On other transcripts: intron variant (1).
Genome position (GRCh38, 1-based): chr8:60,841,869, C duplicated; the last of 2 consecutive C bases (chr8:60,841,868-60,841,869); duplicating either gives the same sequence. VCF-style (leftmost placement, unchanged base first): chr8-60841867-T-TC. GRCh37 (hg19) VCF-style: chr8-61754426-T-TC.
Other names: c.1717-20360dup (NM_001316690.1); short protein forms R1557fs.
Identifiers: ClinVar variation 1452118 (VCV001452118.8), dbSNP rs2150786530, ClinGen allele CA2573143261.
Genomic context (GRCh38, chr8:60,841,867, plus strand): 5'-CTTTGAGAAATGTCAAATGTATCTCCTCTTTTATTATTAGAACAACCTGGTTATTGATAC[T>TC]CCAAGAGTGAGAAAGCAGACCAGGCTCTACAGTGCAGTGAAGGAAGATGAGCTGATGGAG-3'